The following is an entry in ClinVar:

NM_014014.5(SNRNP200):c.3885C>A (p.Tyr1295Ter)

Gene: SNRNP200 (small nuclear ribonucleoprotein U5 subunit 200; minus strand). Cytogenetic location: 2q11.2.
Variant type: single nucleotide variant.
Coding change: c.3885C>A on transcript NM_014014.5 (MANE Select); coding-DNA position 3885, C replaced by A.
Protein change: p.Tyr1295Ter; replaces tyrosine 1295 with a stop codon.
Molecular consequence: nonsense.
Genome position (GRCh38, 1-based): chr2:96,286,429, G>T on the plus strand (C>A on the coding strand, the complement: SNRNP200 is on the minus strand). VCF-style: chr2-96286429-G-T. GRCh37 (hg19) VCF-style: chr2-96952167-G-T.
Other names: short protein forms Y1295*.
Identifiers: ClinVar variation 1387139 (VCV001387139.6), dbSNP rs2104343890, ClinGen allele CA347670897.

ClinVar aggregate classification (germline): Uncertain significance (1 of 4 stars; one submission).

Submission:

Labcorp Genetics (formerly Invitae), Labcorp
Classification: Uncertain significance. Last evaluated: 2024-10-15. Review status: criteria provided, single submitter. Criteria: Invitae Variant Classification Sherloc (09022015). Collection method: clinical testing. Allele origin: germline.
Comment: This sequence change creates a premature translational stop signal (p.Tyr1295*) in the SNRNP200 gene. It is expected to result in an absent or disrupted protein product. However, the current clinical and genetic evidence is not sufficient to establish whether loss-of-function variants in SNRNP200 cause disease. This variant is not present in population databases (gnomAD no frequency). This variant has not been reported in the literature in individuals affected with SNRNP200-related conditions. ClinVar contains an entry for this variant (Variation ID: 1387139). In summary, the available evidence is currently insufficient to determine the role of this variant in disease. Therefore, it has been classified as a Variant of Uncertain Significance.